The following is an entry in ClinVar:

NC_000016.10:g.67660384C>T

Genes: ACD (ACD shelterin complex subunit and telomerase recruitment factor; minus strand), LOC130059224 (ATAC-STARR-seq lymphoblastoid silent region 7617; plus strand). Cytogenetic location: 16q22.1.
Variant type: single nucleotide variant.
Genome position: GRCh38 VCF-style: chr16-67660384-C-T. GRCh37 (hg19) VCF-style: chr16-67694287-C-T.
Other names: short protein forms G32D.
Identifiers: ClinVar variation 934971 (VCV000934971.12), dbSNP rs774085628, ClinGen allele CA283218902.
Genomic context (GRCh38, chr16:67,660,384, plus strand): 5'-AGGAGGAGGCCCCGCCCACGTACACCCCGCGCCTGCGCACGAGGGCGTCCTGCTCGGGGG[C>T]CTGTGTGCAGACTCCCGCTGGTCCACCCCGCTGGTGCACGGGATGCTGGCCCGTTTACTC-3'

ClinVar aggregate classification (germline): Uncertain significance. Review status: criteria provided, multiple submitters, no conflicts (2 of 4 stars). 2 submissions from 2 submitters: Uncertain significance (2). Last evaluated 2022-12-12.

Conditions:
Dyskeratosis congenita, autosomal dominant 6 (DKCA6). Identifiers: Orphanet 3322, MedGen C4225284, MONDO:0014690, OMIM 616553.
Inborn genetic diseases. Identifiers: MedGen C0950123, MeSH D030342.

Submissions (2):

Ambry Genetics
Classification: Uncertain significance for Inborn genetic diseases. Last evaluated: 2022-12-12. Review status: criteria provided, single submitter. Criteria: Ambry Variant Classification Scheme 2023. Collection method: clinical testing. Allele origin: germline.
Comment: The p.G32D variant (also known as c.95G>A), located in coding exon 1 of the ACD gene, results from a G to A substitution at nucleotide position 95. The glycine at codon 32 is replaced by aspartic acid, an amino acid with similar properties. This amino acid position is conserved. In addition, this alteration is predicted to be tolerated by in silico analysis. Since supporting evidence is limited at this time, the clinical significance of this alteration remains unclear.

Labcorp Genetics (formerly Invitae), Labcorp
Classification: Uncertain significance for Dyskeratosis congenita, autosomal dominant 6. Last evaluated: 2019-10-12. Review status: criteria provided, single submitter. Criteria: Invitae Variant Classification Sherloc (09022015). Collection method: clinical testing. Allele origin: germline.
Comment: This sequence change replaces glycine with aspartic acid at codon 32 of the ACD protein (p.Gly32Asp). The glycine residue is weakly conserved and there is a moderate physicochemical difference between glycine and aspartic acid. In summary, the available evidence is currently insufficient to determine the role of this variant in disease. Therefore, it has been classified as a Variant of Uncertain Significance. Algorithms developed to predict the effect of missense changes on protein structure and function (SIFT, PolyPhen-2, Align-GVGD) all suggest that this variant is likely to be tolerated, but these predictions have not been confirmed by published functional studies and their clinical significance is uncertain. This variant has not been reported in the literature in individuals with ACD-related conditions. This variant is not present in population databases (ExAC no frequency).